The following is an entry in ClinVar:

NM_000903.3(NQO1):c.170C>G (p.Thr57Arg)

Gene: NQO1 (NAD(P)H quinone dehydrogenase 1; minus strand). Cytogenetic location: 16q22.1.
Variant type: single nucleotide variant.
Coding change: c.170C>G on transcript NM_000903.3 (MANE Select); coding-DNA position 170, C replaced by G.
Protein change: p.Thr57Arg; replaces threonine 57 with arginine.
Molecular consequence: missense variant.
Genome position (GRCh38, 1-based): chr16:69,718,372, G>C on the plus strand (C>G on the coding strand, the complement: NQO1 is on the minus strand). VCF-style: chr16-69718372-G-C. GRCh37 (hg19) VCF-style: chr16-69752275-G-C.
Other names: c.170C>G, p.Thr57Arg (NM_001025433.2, NM_001025434.2, NM_001286137.2); short protein forms T57R.
Identifiers: ClinVar variation 1778523 (VCV001778523.3), dbSNP rs1033737783, ClinGen allele CA283361321.
Genomic context (GRCh38, chr16:69,718,372, plus strand): 5'-CACAGGCAAGGAGATCCGCAAAGAACTAATTAAAGAGGGGAGGAGGAACTCCTCCTACCT[G>C]TGATGTCCTTTCTGGAAATGATGGGATTGAAGTTCATGGCATAGAGGTCCGACTCCACCA-3'
Protein context (NP_000894.1, residues 47-67): FNPIISRKDI[Thr57Arg]GKLKDPANFQ

ClinVar aggregate classification (germline): Uncertain significance (1 of 4 stars; one submission).

Allele frequency attached by ClinVar (database versions not stated): TOPMed below 0.00001; gnomAD exomes 0.00001.
gnomAD v4.1: 11 of 1,614,198 alleles (0.00068%); highest among the groups gnomAD compares: Non-Finnish European, 0.00093%; no homozygotes.

Submission:

Ambry Genetics
Classification: Uncertain significance. Last evaluated: 2024-09-08. Review status: criteria provided, single submitter. Criteria: Ambry Variant Classification Scheme 2023. Collection method: clinical testing. Allele origin: germline.
Comment: The p.T57R variant (also known as c.170C>G), located in coding exon 2 of the NQO1 gene, results from a C to G substitution at nucleotide position 170. The threonine at codon 57 is replaced by arginine, an amino acid with similar properties. This amino acid position is conserved. In addition, this alteration is predicted to be tolerated by in silico analysis. Since supporting evidence is limited at this time, the clinical significance of this alteration remains unclear.